The following is an entry in ClinVar:

NM_000051.4(ATM):c.3419del (p.Asn1140fs)

Gene: ATM (ATM serine/threonine kinase; plus strand). Cytogenetic location: 11q22.3.
Variant type: Deletion.
Coding change: c.3419del on transcript NM_000051.4 (MANE Select); coding-DNA position 3419, one base deleted (A; older notation c.3419delA).
Protein change: p.Asn1140fs; shifts the reading frame from asparagine 1140.
Molecular consequence: frameshift variant.
Genome position (GRCh38, 1-based): chr11:108,281,011, A deleted; the last of 2 consecutive A bases (chr11:108,281,010-108,281,011); deleting either gives the same sequence. VCF-style (leftmost placement, unchanged base first): chr11-108281009-GA-G. GRCh37 (hg19) VCF-style: chr11-108151736-GA-G.
Other names: c.3419del, p.Asn1140fs (NM_001351834.2); c.3419delA (NM_000051.3); short protein forms N1140fs.
Identifiers: ClinVar variation 482667 (VCV000482667.5), dbSNP rs1555091141, ClinGen allele CA658656198.

ClinVar aggregate classification (germline): Pathogenic (1 of 4 stars; one submission).

Conditions:
Hereditary cancer-predisposing syndrome. Also called: Neoplastic Syndromes, Hereditary; Tumor predisposition; Hereditary Cancer Syndrome; Hereditary neoplastic syndrome. Identifiers: Orphanet 140162, MedGen C0027672, MeSH D009386, MONDO:0015356.

Submission:

Ambry Genetics
Classification: Pathogenic for Hereditary cancer-predisposing syndrome. Last evaluated: 2016-12-14. Review status: criteria provided, single submitter. Criteria: Ambry Variant Classification Scheme 2023. Collection method: clinical testing. Allele origin: germline.
Comment: The c.3419delA pathogenic mutation, located in coding exon 23 of the ATM gene, results from a deletion of one nucleotide at position 3419, causing a translational frameshift with a predicted alternate stop codon (p.N1140Tfs*16). This alteration is expected to result in loss of function by premature protein truncation or nonsense-mediated mRNA decay. As such, this alteration is interpreted as a disease-causing mutation.